The following is an entry in ClinVar:

NM_004360.5(CDH1):c.1321-14T>C

Gene: CDH1 (cadherin 1; plus strand). Cytogenetic location: 16q22.1.
Variant type: single nucleotide variant.
Coding change: c.1321-14T>C on transcript NM_004360.5 (MANE Select); 14 bases into the intron before coding-DNA position 1321, T replaced by C.
Molecular consequence: intron variant.
Genome position (GRCh38, 1-based): chr16:68,815,501, T>C. VCF-style: chr16-68815501-T-C. GRCh37 (hg19) VCF-style: chr16-68849404-T-C.
Other names: c.-228-14T>C (NM_001317185.2); c.-499-14T>C (NM_001317186.2); c.1138-14T>C (NM_001317184.2).
Identifiers: ClinVar variation 920881 (VCV000920881.11), dbSNP rs1960956644, ClinGen allele CA1139664758.

ClinVar aggregate classification (germline): Likely benign. Review status: criteria provided, multiple submitters, no conflicts (2 of 4 stars). 3 submissions from 3 submitters: Likely benign (3). Last evaluated 2024-09-18.

Conditions:
Hereditary cancer-predisposing syndrome. Also called: Hereditary Cancer Syndrome; Hereditary neoplastic syndrome; Neoplastic Syndromes, Hereditary; Tumor predisposition. Identifiers: Orphanet 140162, MedGen C0027672, MeSH D009386, MONDO:0015356.
Hereditary diffuse gastric adenocarcinoma (HDGC). Also called: DIFFUSE GASTRIC AND LOBULAR BREAST CANCER SYNDROME. Identifiers: Orphanet 26106, MedGen C1708349, MONDO:0007648, OMIM 137215.

Submissions (3):

Myriad Genetics, Inc.
Classification: Likely benign for Hereditary diffuse gastric adenocarcinoma. Last evaluated: 2024-09-18. Review status: criteria provided, single submitter. Criteria: Myriad Autosomal Dominant, Autosomal Recessive and X-Linked Classification Criteria (2023). Collection method: clinical testing. Allele origin: unknown.
Comment: This variant is considered likely benign. This variant is intronic and is not expected to impact mRNA splicing.

Labcorp Genetics (formerly Invitae), Labcorp
Classification: Likely benign for Hereditary diffuse gastric adenocarcinoma. Last evaluated: 2023-06-20. Review status: criteria provided, single submitter. Criteria: Invitae Variant Classification Sherloc (09022015). Collection method: clinical testing. Allele origin: germline.

Color Diagnostics, LLC DBA Color Health
Classification: Likely benign for Hereditary cancer-predisposing syndrome. Last evaluated: 2019-06-19. Review status: criteria provided, single submitter. Criteria: ACMG Guidelines, 2015. Collection method: clinical testing. Allele origin: germline.